The following is an entry in ClinVar:

NM_152383.5(DIS3L2):c.2434AAG[1] (p.Lys813del)

Gene: DIS3L2 (DIS3 like 3'-5' exoribonuclease 2; plus strand). Cytogenetic location: 2q37.1.
Variant type: Microsatellite.
Coding change: c.2434AAG[1] on transcript NM_152383.5 (MANE Select); one copy of the 3-base unit AAG starting at c.2434; the reference has two copies in a row; one copy, 3 bases deleted.
Protein change: p.Lys813del; deletes lysine 813.
Molecular consequence: inframe deletion. On other transcripts: non-coding transcript variant (2), intron variant (1).
Genome position (GRCh38, 1-based): chr2:232,335,815-232,335,817, AAG deleted; deleting any 3 consecutive bases within chr2:232,335,812-232,335,817 gives the same sequence; the position shown is the placement nearest the transcript's 3' end. VCF-style (leftmost placement, unchanged base first): chr2-232335811-CAAG-C. GRCh37 (hg19) VCF-style: chr2-233200521-CAAG-C.
Other names: c.1582-7530_1582-7528del (NM_001257281.2); short protein forms K813del.
Identifiers: ClinVar variation 1503103 (VCV001503103.8), dbSNP rs2106356323, ClinGen allele CA2580616744.

ClinVar aggregate classification (germline): Uncertain significance (1 of 4 stars; one submission).

Conditions:
Perlman syndrome (PRLMNS). Identifiers: Orphanet 2849, MedGen C0796113, MONDO:0009965, OMIM 267000.

Submission:

Labcorp Genetics (formerly Invitae), Labcorp
Classification: Uncertain significance for Perlman syndrome. Last evaluated: 2020-12-02. Review status: criteria provided, single submitter. Criteria: Invitae Variant Classification Sherloc (09022015). Collection method: clinical testing. Allele origin: germline.
Comment: In summary, the available evidence is currently insufficient to determine the role of this variant in disease. Therefore, it has been classified as a Variant of Uncertain Significance. Experimental studies and prediction algorithms are not available or were not evaluated, and the functional significance of this variant is currently unknown. This variant has not been reported in the literature in individuals with DIS3L2-related conditions. This variant is not present in population databases (ExAC no frequency). This variant, c.2437_2439del, results in the deletion of 1 amino acid(s) of the DIS3L2 protein (p.Lys813del), but otherwise preserves the integrity of the reading frame.